The following is an entry in ClinVar:

NM_005984.5(SLC25A1):c.822-18G>A

Gene: SLC25A1 (solute carrier family 25 member 1; minus strand). Cytogenetic location: 22q11.21.
Variant type: single nucleotide variant.
Coding change: c.822-18G>A on transcript NM_005984.5 (MANE Select); 18 bases into the intron before coding-DNA position 822, G replaced by A.
Molecular consequence: intron variant.
Genome position (GRCh38, 1-based): chr22:19,176,262, C>T on the plus strand (G>A on the coding strand, the complement: SLC25A1 is on the minus strand). VCF-style: chr22-19176262-C-T. GRCh37 (hg19) VCF-style: chr22-19163775-C-T.
Other names: c.513-18G>A (NM_001287387.2); c.843-18G>A (NM_001256534.2).
Identifiers: ClinVar variation 511598 (VCV000511598.5), dbSNP rs376872555, ClinGen allele CA10097256.

ClinVar aggregate classification (germline): Likely benign. Review status: criteria provided, multiple submitters, no conflicts (2 of 4 stars). 2 submissions from 2 submitters: Likely benign (2). Last evaluated 2025-01-13.

Allele frequency attached by ClinVar (database versions not stated): ExAC 0.00002; gnomAD 0.00002; gnomAD exomes 0.00002 and 0.00003; TOPMed 0.00003; ESP Exome Variant Server 0.00008.

Submissions (2):

Labcorp Genetics (formerly Invitae), Labcorp
Classification: Likely benign. Last evaluated: 2025-01-13. Review status: criteria provided, single submitter. Criteria: Invitae Variant Classification Sherloc (09022015). Collection method: clinical testing. Allele origin: germline.

GeneDx
Classification: Likely benign. Last evaluated: 2017-09-05. Review status: criteria provided, single submitter. Criteria: GeneDx Variant Classification (06012015). Collection method: clinical testing. Allele origin: germline. Affected: yes.
Comment: This variant is considered likely benign or benign based on one or more of the following criteria: it is a conservative change, it occurs at a poorly conserved position in the protein, it is predicted to be benign by multiple in silico algorithms, and/or has population frequency not consistent with disease.